The following is an entry in ClinVar:

ClinVar aggregate classification (germline): Likely pathogenic (1 of 4 stars; one submission).

Conditions:
Neurofibromatosis, type 1 (NF1). Also called: Peripheral type neurofibromatosis; VON RECKLINGHAUSEN DISEASE; NEUROFIBROMATOSIS, TYPE I, SOMATIC; Neurofibromatosis, type I. Identifiers: Orphanet 636, MedGen C0027831, MONDO:0018975, OMIM 162200. Disease mechanism: loss of function.

Submission:

Labcorp Genetics (formerly Invitae), Labcorp
Classification: Likely pathogenic for Neurofibromatosis, type 1. Last evaluated: 2022-04-11. Review status: criteria provided, single submitter. Criteria: Invitae Variant Classification Sherloc (09022015). Collection method: clinical testing. Allele origin: germline.
Comment: This variant, c.3852_3854del, results in the deletion of 1 amino acid(s) of the NF1 protein (p.Ile1284del), but otherwise preserves the integrity of the reading frame. This variant is not present in population databases (gnomAD no frequency). This variant has been observed in individual(s) with clinical features of neurofibromatosis type 1 (PMID: 24789688; Invitae). In at least one individual the variant was observed to be de novo. Experimental studies and prediction algorithms are not available or were not evaluated, and the functional significance of this variant is currently unknown. In summary, the currently available evidence indicates that the variant is pathogenic, but additional data are needed to prove that conclusively. Therefore, this variant has been classified as Likely Pathogenic.

Literature cited by the submitters: PubMed 24789688.

NM_001042492.3(NF1):c.3849AAT[1] (p.Ile1284del)

Gene: NF1 (neurofibromin 1; plus strand). Cytogenetic location: 17q11.2.
Variant type: Microsatellite.
Coding change: c.3849AAT[1] on transcript NM_001042492.3 (MANE Select); one copy of the 3-base unit AAT starting at c.3849; the reference has two copies in a row; one copy, 3 bases deleted.
Protein change: p.Ile1284del; deletes isoleucine 1284.
Molecular consequence: inframe deletion. On other transcripts: inframe indel (1).
Genome position (GRCh38, 1-based): chr17:31,235,754-31,235,756, AAT deleted; deleting any 3 consecutive bases within chr17:31,235,751-31,235,756 gives the same sequence; the position shown is the placement nearest the transcript's 3' end. VCF-style (leftmost placement, unchanged base first): chr17-31235750-AAAT-A. GRCh37 (hg19) VCF-style: chr17-29562768-AAAT-A.
Other names: c.3849_3851AAT[1], p.Ile1284del (NM_000267.4); short protein forms I1284del.
Identifiers: ClinVar variation 2137982 (VCV002137982.4), dbSNP rs2508260442, ClinGen allele CA2580614096.
Genomic context (GRCh38, chr17:31,235,750, plus strand): 5'-AAGAAGTAGAATTGGCAGACTCCATGCAGACTCTCTTCCGAGGCAACAGCTTGGCCAGTA[AAAT>A]AATGACATTCTGTTTCAAGGTTTGTATCATTCATTTTGTGTGTATGTGTGTGCTGAGGTA-3'